The following is an entry in ClinVar:

NM_015570.4(AUTS2):c.932C>G (p.Thr311Arg)

Gene: AUTS2 (activator of transcription and developmental regulator AUTS2; plus strand). Cytogenetic location: 7q11.22.
Variant type: single nucleotide variant.
Coding change: c.932C>G on transcript NM_015570.4 (MANE Select); coding-DNA position 932, C replaced by G.
Protein change: p.Thr311Arg; replaces threonine 311 with arginine.
Molecular consequence: missense variant.
Genome position (GRCh38, 1-based): chr7:70,763,059, C>G. VCF-style: chr7-70763059-C-G. GRCh37 (hg19) VCF-style: chr7-70228045-C-G.
Other names: c.932C>G, p.Thr311Arg (NM_001127231.3); short protein forms T311R.
Identifiers: ClinVar variation 931890 (VCV000931890.3), dbSNP rs1454617445, ClinGen allele CA367667503.

ClinVar aggregate classification (germline): Uncertain significance (1 of 4 stars; one submission).

Conditions:
Autism spectrum disorder due to AUTS2 deficiency (MRD26). Also called: INTELLECTUAL DEVELOPMENTAL DISORDER, AUTOSOMAL DOMINANT 26. Identifiers: Orphanet 352490, MedGen C4014435, MONDO:0014361, OMIM 615834.

Submission:

Centre for Mendelian Genomics, University Medical Centre Ljubljana
Classification: Uncertain significance for Autism spectrum disorder due to AUTS2 deficiency. Last evaluated: 2019-04-18. Review status: criteria provided, single submitter. Criteria: ACMG Guidelines, 2015. Collection method: clinical testing. Allele origin: unknown. Affected: yes.
Comment: This variant was classified as: Uncertain significance. The available evidence on this variant's pathogenicity is insufficient or conflicting. The following ACMG criteria were applied in classifying this variant: PM2.